The following is an entry in ClinVar:

ClinVar aggregate classification (germline): Benign/Likely benign. Review status: criteria provided, multiple submitters, no conflicts (2 of 4 stars). 7 submissions from 7 submitters: Benign (2); Likely benign (5). Last evaluated 2025-06-16.

Conditions:
Hereditary cancer-predisposing syndrome. Also called: Hereditary neoplastic syndrome; Tumor predisposition; Neoplastic Syndromes, Hereditary; Hereditary Cancer Syndrome. Identifiers: Orphanet 140162, MedGen C0027672, MeSH D009386, MONDO:0015356.
Peutz-Jeghers syndrome (PJS). Also called: Peutz-Jeghers polyposis; Periorificial lentiginosis syndrome; POLYPOSIS, HAMARTOMATOUS INTESTINAL; POLYPS-AND-SPOTS SYNDROME. Identifiers: Orphanet 2869, MedGen C0031269, MeSH D010580, MONDO:0008280, OMIM 175200.

Allele frequency attached by ClinVar (database versions not stated): gnomAD below 0.00001 and 0.00001; ExAC 0.00002; gnomAD exomes 0.00002 and 0.00004.
gnomAD v4.1: 26 of 1,613,264 alleles (0.0016%); highest among the groups gnomAD compares: South Asian, 0.027%; no homozygotes.

Submissions (7):

Labcorp Genetics (formerly Invitae), Labcorp
Classification: Likely benign for Peutz-Jeghers syndrome. Last evaluated: 2025-06-16. Review status: criteria provided, single submitter. Criteria: Invitae Variant Classification Sherloc (09022015). Collection method: clinical testing. Allele origin: germline.

Myriad Genetics, Inc.
Classification: Benign for Peutz-Jeghers syndrome. Last evaluated: 2025-03-24. Review status: criteria provided, single submitter. Criteria: Myriad Autosomal Dominant, Autosomal Recessive and X-Linked Classification Criteria (2023). Collection method: clinical testing. Allele origin: unknown.
Comment: This variant is considered benign. This variant is a silent/synonymous amino acid change and it is not expected to impact splicing.

All of Us Research Program, National Institutes of Health
Classification: Likely benign for Peutz-Jeghers syndrome. Last evaluated: 2023-04-03. Review status: criteria provided, single submitter. Criteria: ACMG Guidelines, 2015. Collection method: clinical testing. Allele origin: germline. Inheritance: Autosomal dominant inheritance. Observed: 1 variant allele, 1 heterozygote.
Comment: This study involves interpretation of variants in research participants for the purpose of population health screening. Participant phenotype was not available at the time of variant classification. Additional details can be found in publication PMID: 35346344, PMCID: PMC8962531

Genome-Nilou Lab
Classification: Likely benign for Peutz-Jeghers syndrome. Last evaluated: 2021-07-15. Review status: criteria provided, single submitter. Criteria: ACMG Guidelines, 2015. Collection method: clinical testing. Allele origin: germline. Affected: no.

Color Diagnostics, LLC DBA Color Health
Classification: Likely benign for Hereditary cancer-predisposing syndrome. Last evaluated: 2017-08-02. Review status: criteria provided, single submitter. Criteria: ACMG Guidelines, 2015. Collection method: clinical testing. Allele origin: germline.

Ambry Genetics
Classification: Likely benign for Hereditary cancer-predisposing syndrome. Last evaluated: 2017-05-25. Review status: criteria provided, single submitter. Criteria: Ambry Variant Classification Scheme 2023. Collection method: clinical testing. Allele origin: germline.

GeneDx
Classification: Benign. Last evaluated: 2015-04-09. Review status: criteria provided, single submitter. Criteria: GeneDx Variant Classification (06012015). Collection method: clinical testing. Allele origin: germline. Affected: yes.
Comment: This variant is considered likely benign or benign based on one or more of the following criteria: it is a conservative change, it occurs at a poorly conserved position in the protein, it is predicted to be benign by multiple in silico algorithms, and/or has population frequency not consistent with disease.

NM_000455.5(STK11):c.84C>T (p.Arg28=)

Gene: STK11 (serine/threonine kinase 11; plus strand). Cytogenetic location: 19p13.3.
Variant type: single nucleotide variant.
Coding change: c.84C>T on transcript NM_000455.5 (MANE Select); coding-DNA position 84, C replaced by T.
Protein change: p.Arg28=; no amino-acid change (arginine 28 retained).
Molecular consequence: synonymous variant.
Genome position (GRCh38, 1-based): chr19:1,206,997, C>T. VCF-style: chr19-1206997-C-T. GRCh37 (hg19) VCF-style: chr19-1206996-C-T.
Identifiers: ClinVar variation 378674 (VCV000378674.22), dbSNP rs778468876, ClinGen allele CA049153.